The following is an entry in ClinVar:

ClinVar aggregate classification (germline): Uncertain significance (1 of 4 stars; one submission).

Submission:

Labcorp Genetics (formerly Invitae), Labcorp
Classification: Uncertain significance. Last evaluated: 2024-08-23. Review status: criteria provided, single submitter. Criteria: Invitae Variant Classification Sherloc (09022015). Collection method: clinical testing. Allele origin: germline.
Comment: This sequence change replaces leucine, which is neutral and non-polar, with glutamine, which is neutral and polar, at codon 131 of the GRHL2 protein (p.Leu131Gln). This variant is not present in population databases (gnomAD no frequency). This variant has not been reported in the literature in individuals affected with GRHL2-related conditions. Invitae Evidence Modeling of protein sequence and biophysical properties (such as structural, functional, and spatial information, amino acid conservation, physicochemical variation, residue mobility, and thermodynamic stability) indicates that this missense variant is not expected to disrupt GRHL2 protein function with a negative predictive value of 80%. In summary, the available evidence is currently insufficient to determine the role of this variant in disease. Therefore, it has been classified as a Variant of Uncertain Significance.

NM_024915.4(GRHL2):c.392T>A (p.Leu131Gln)

Gene: GRHL2 (grainyhead like transcription factor 2; plus strand). Cytogenetic location: 8q22.3.
Variant type: single nucleotide variant.
Coding change: c.392T>A on transcript NM_024915.4 (MANE Select); coding-DNA position 392, T replaced by A.
Protein change: p.Leu131Gln; replaces leucine 131 with glutamine.
Molecular consequence: missense variant.
Genome position (GRCh38, 1-based): chr8:101,558,526, T>A. VCF-style: chr8-101558526-T-A. GRCh37 (hg19) VCF-style: chr8-102570754-T-A.
Other names: c.344T>A, p.Leu115Gln (NM_001330593.2); short protein forms L131Q, L115Q.
Identifiers: ClinVar variation 3701218 (VCV003701218.2).